The following is an entry in ClinVar:

ClinVar aggregate classification (germline): Likely benign (1 of 4 stars; one submission).

Allele frequency attached by ClinVar (database versions not stated): gnomAD 0.00012; TOPMed 0.00012; ExAC 0.00015.
gnomAD v4.1: 195 of 1,613,808 alleles (0.012%); highest among the groups gnomAD compares: South Asian, 0.0055%; no homozygotes.

Submission:

CeGaT Center for Human Genetics Tuebingen
Classification: Likely benign. Last evaluated: 2023-02-01. Review status: criteria provided, single submitter. Criteria: CeGaT Center For Human Genetics Tuebingen Variant Classification Criteria Version 2. Collection method: clinical testing. Allele origin: germline. Affected: yes. Observed: 1 variant allele.
Comment: ENTREP1: BP4, BP7

NM_001347995.2(ENTREP1):c.1041G>A (p.Pro347=)

Gene: ENTREP1 (endosomal transmembrane epsin interactor 1; plus strand). Cytogenetic location: 9q21.12.
Variant type: single nucleotide variant.
Coding change: c.1041G>A on transcript NM_001347995.2 (MANE Select); coding-DNA position 1041, G replaced by A.
Protein change: p.Pro347=; no amino-acid change (proline 347 retained).
Molecular consequence: synonymous variant. On other transcripts: non-coding transcript variant (1).
Genome position (GRCh38, 1-based): chr9:69,383,717, G>A. VCF-style: chr9-69383717-G-A. GRCh37 (hg19) VCF-style: chr9-71998633-G-A.
Other names: c.582G>A, p.Pro194= (NM_001127608.3, NM_004816.5).
Identifiers: ClinVar variation 2659243 (VCV002659243.24), dbSNP rs144052597, ClinGen allele CA5074329.
Genomic context (GRCh38, chr9:69,383,717, plus strand): 5'-GCCACACATCTACGGAGCTCGAATCAAAGGTGTGGAAGTGTTCTGTCCTCTGGATCCCCC[G>A]CCGCCATATGAAGCTGTGGTGAGCCAGATGGACCAGGAGCAGGTACTGTCTGTCCTGAAT-3'
Protein context (NP_001334924.1, residues 337-357): GVEVFCPLDP[Pro347=]PPYEAVVSQM